The following is an entry in ClinVar:

ClinVar aggregate classification (germline): Uncertain significance. Review status: criteria provided, multiple submitters, no conflicts (2 of 4 stars). 3 submissions from 3 submitters: Uncertain significance (2). 1 of the submissions does not count toward it. Last evaluated 2021-11-02.

Conditions:
CFTR-related disorder (CFTR-RD). Also called: CFTR-related disorders; CFTR-related condition. Identifiers: MedGen C5924204, MONDO:7770004.
Cystic fibrosis (CF). Also called: MUCOVISCIDOSIS. Identifiers: Orphanet 586, MedGen C0010674, MONDO:0009061, OMIM 219700. Disease mechanism: loss of function.

Allele frequency attached by ClinVar (database versions not stated): gnomAD 0.00001; ExAC 0.00002; 1000 Genomes Project 30x 0.00016; TOPMed 0.00001; gnomAD exomes 0.00002 and 0.00001; 1000 Genomes Project 0.00020.
gnomAD v4.1: 5 of 1,613,984 alleles (0.00031%); highest among the groups gnomAD compares: Admixed American, 0.0083%; no homozygotes.

Submissions (3):

Labcorp Genetics (formerly Invitae), Labcorp
Classification: Uncertain significance for Cystic fibrosis. Last evaluated: 2021-11-02. Review status: criteria provided, single submitter. Criteria: Invitae Variant Classification Sherloc (09022015). Collection method: clinical testing. Allele origin: germline.
Comment: This sequence change replaces proline, which is neutral and non-polar, with serine, which is neutral and polar, at codon 960 of the CFTR protein (p.Pro960Ser). This variant is present in population databases (rs185397588, gnomAD 0.01%). This variant has not been reported in the literature in individuals affected with CFTR-related conditions. ClinVar contains an entry for this variant (Variation ID: 495917). Algorithms developed to predict the effect of missense changes on protein structure and function are either unavailable or do not agree on the potential impact of this missense change (SIFT: "Tolerated"; PolyPhen-2: "Possibly Damaging"; Align-GVGD: "Class C0"). In summary, the available evidence is currently insufficient to determine the role of this variant in disease. Therefore, it has been classified as a Variant of Uncertain Significance.

Women's Health and Genetics/Laboratory Corporation of America, LabCorp
Classification: Uncertain significance. Last evaluated: 2017-04-17. Review status: criteria provided, single submitter. Criteria: LabCorp Variant Classification Summary - May 2015. Collection method: clinical testing. Allele origin: germline.
Comment: Variant summary: The CFTR c.2878C>T (p.Pro960Ser) variant involves the alteration of a conserved nucleotide, is predicted to be damaging by 5/5 in silico tools and is located in the ABC transporter type 1, transmembrane domain (InterPro). This variant was found in 2/121298 control chromosomes from ExAC at a frequency of 0.0000165, which does not exceed the estimated maximal expected allele frequency of a pathogenic CFTR variant (0.0129603). The variant of interest has not, to our knowledge, been reported in affected individuals via publications and/or reputable databases/clinical diagnostic laboratories, nor evaluated for functional impact by in vivo/vitro studies. Similar variants at this region such as M952I/T, H954P, A959V, M961I, L967S and G970R/D/S have been reported in association with CF or CFTRD (ref. HGMD), highlighting the importance of this region in protein function. Because of the absence of clinical information and the lack of functional studies, the variant is classified as a variant of uncertain significance (VUS) until additional information becomes available.

Natera, Inc.
Classification: Uncertain significance for CFTR-related disorders. Last evaluated: 2018-04-20. Review status: no assertion criteria provided. Collection method: clinical testing. Allele origin: germline. Not counted in ClinVar's aggregate classification.

NM_000492.4(CFTR):c.2878C>T (p.Pro960Ser)

Gene: CFTR (CF transmembrane conductance regulator; plus strand). Cytogenetic location: 7q31.2.
Variant type: single nucleotide variant.
Coding change: c.2878C>T on transcript NM_000492.4 (MANE Select); coding-DNA position 2878, C replaced by T.
Protein change: p.Pro960Ser; replaces proline 960 with serine.
Molecular consequence: missense variant.
Genome position (GRCh38, 1-based): chr7:117,603,752, C>T. VCF-style: chr7-117603752-C-T. GRCh37 (hg19) VCF-style: chr7-117243806-C-T.
Other names: short protein forms P960S.
Identifiers: ClinVar variation 495917 (VCV000495917.5), dbSNP rs185397588, ClinGen allele CA4451305.